The following is an entry in ClinVar:

ClinVar aggregate classification (germline): Uncertain significance. Review status: criteria provided, multiple submitters, no conflicts (2 of 4 stars). 2 submissions from 2 submitters: Uncertain significance (2). Last evaluated 2025-02-25.

Submissions (2):

GeneDx
Classification: Uncertain significance. Last evaluated: 2025-02-25. Review status: criteria provided, single submitter. Criteria: GeneDx Variant Classification Process June 2021. Collection method: clinical testing. Allele origin: germline. Affected: yes.
Comment: Not observed at significant frequency in large population cohorts (gnomAD); In silico analysis supports that this missense variant has a deleterious effect on protein structure/function; Has not been previously published as pathogenic or benign to our knowledge

Labcorp Genetics (formerly Invitae), Labcorp
Classification: Uncertain significance. Last evaluated: 2023-01-15. Review status: criteria provided, single submitter. Criteria: Invitae Variant Classification Sherloc (09022015). Collection method: clinical testing. Allele origin: germline.
Comment: In summary, the available evidence is currently insufficient to determine the role of this variant in disease. Therefore, it has been classified as a Variant of Uncertain Significance. Algorithms developed to predict the effect of missense changes on protein structure and function (SIFT, PolyPhen-2, Align-GVGD) all suggest that this variant is likely to be disruptive. This variant has not been reported in the literature in individuals affected with SCN3A-related conditions. This variant is not present in population databases (gnomAD no frequency). This sequence change replaces leucine, which is neutral and non-polar, with arginine, which is basic and polar, at codon 224 of the SCN3A protein (p.Leu224Arg).

NM_006922.4(SCN3A):c.671T>G (p.Leu224Arg)

Gene: SCN3A (sodium voltage-gated channel alpha subunit 3; minus strand). Cytogenetic location: 2q24.3.
Variant type: single nucleotide variant.
Coding change: c.671T>G on transcript NM_006922.4 (MANE Select); coding-DNA position 671, T replaced by G.
Protein change: p.Leu224Arg; replaces leucine 224 with arginine.
Molecular consequence: missense variant. On other transcripts: intron variant (1).
Genome position (GRCh38, 1-based): chr2:165,163,641, A>C on the plus strand (T>G on the coding strand, the complement: SCN3A is on the minus strand). VCF-style: chr2-165163641-A-C. GRCh37 (hg19) VCF-style: chr2-166020151-A-C.
Other names: c.671T>G (NM_006922.3); c.671T>G, p.Leu224Arg (NM_001081676.2); c.694+161T>G (NM_001081677.2); short protein forms L224R.
Identifiers: ClinVar variation 2828755 (VCV002828755.4), dbSNP rs2468485707, ClinGen allele CA349239515.
Genomic context (GRCh38, chr2:165,163,641, plus strand): 5'-AATTAAAGTCAACCTCGGTGTTTAACCTAGCTCTCACCTGGAATGACTGAAATTGTTTTC[A>C]GTGCTCGGAGAACTCTGAATGTTCTCAACGCTGAGACATTGCCCAGGTCCACAAACTCTG-3'
Protein context (NP_008853.3, residues 214-234): ALRTFRVLRA[Leu224Arg]KTISVIPGLK